The following is an entry in ClinVar:

NM_000475.5(NR0B1):c.215_218dup (p.His73fs)

Gene: NR0B1 (nuclear receptor subfamily 0 group B member 1; minus strand). Cytogenetic location: Xp21.2.
Variant type: Duplication.
Coding change: c.215_218dup on transcript NM_000475.5 (MANE Select); coding-DNA positions 215 to 218, 4 bases duplicated (ACCA; older notation c.215_218dupACCA).
Protein change: p.His73fs; shifts the reading frame from histidine 73.
Molecular consequence: frameshift variant.
Genome position (GRCh38, 1-based): chrX:30,309,146-30,309,149, TGGT duplicated on the plus strand (ACCA on the coding strand, the reverse complement: NR0B1 is on the minus strand). VCF-style (leftmost placement, unchanged base first): chrX-30309145-G-GTGGT. GRCh37 (hg19) VCF-style: chrX-30327262-G-GTGGT.
Other names: c.218_219insACCA (NM_000475.5); short protein forms H73fs.
Identifiers: ClinVar variation 988886 (VCV000988886.1), dbSNP rs1926599738, ClinGen allele CA1139667341.
Genomic context (GRCh38, chrX:30,309,145, plus strand): 5'-TGCCGCGTACGTTTGCTTTGCGCTCGTCAGCATGCTGTAGAGGATGCTGCCCTGCCGTGG[G>GTGGT]TGGTCTTTACCGCAAAAGCAGCAGCGGTACAGGAGCGCCACGTTCCGCCCGCCCAGCAGC-3'

ClinVar aggregate classification (germline): Pathogenic (0 of 4 stars; one submission).

Conditions:
Congenital adrenal hypoplasia, X-linked (AHC). Also called: Isolated X-Linked Adrenal Hypoplasia Congenita; X-linked AHC; X-Linked Adrenal Hypoplasia Congenita; ADRENAL HYPOPLASIA, CONGENITAL, WITH HYPOGONADOTROPIC HYPOGONADISM. Identifiers: Orphanet 95702, MedGen C0342482, MONDO:0010264, OMIM 300200. Disease mechanism: loss of function.

Submission:

Rajaie Cardiovascular, Medical and Research Center, Iran University of Medical Sciences
Classification: Pathogenic for Congenital adrenal hypoplasia, X-linked. Last evaluated: 2020-12-14. Review status: no assertion criteria provided. Collection method: research. Allele origin: somatic. Inheritance: X-linked recessive inheritance. Affected: yes. Observed: 1 hemizygote.
Comment: Congenital Adrenal hypoplasia